The following is an entry in ClinVar:

ClinVar aggregate classification (germline): Conflicting classifications of pathogenicity. Review status: criteria provided, conflicting classifications (1 of 4 stars). 3 submissions from 3 submitters: Likely pathogenic (1); Uncertain significance (2). Last evaluated 2025-09-10.

Conditions:
Asphyxiating thoracic dystrophy 3. Also called: Short rib polydactyly syndrome 2B; SHORT-RIB THORACIC DYSPLASIA 3 WITH OR WITHOUT POLYDACTYLY; POLYDACTYLY WITH NEONATAL CHONDRODYSTROPHY, TYPE I; SHORT-RIB THORACIC DYSPLASIA 3/6 WITH POLYDACTYLY, DIGENIC; Saldino-Noonan Syndrome. Identifiers: Orphanet 474, Orphanet 93269, Orphanet 93270, Orphanet 93271, MedGen C0036069, MONDO:0013127, OMIM 613091.

Submissions (3):

Genomic Medicine Center of Excellence, King Faisal Specialist Hospital and Research Centre
Classification: Likely pathogenic for Asphyxiating thoracic dystrophy 3. Last evaluated: 2025-09-10. Review status: criteria provided, single submitter. Criteria: ACMG Guidelines, 2015. Collection method: clinical testing. Allele origin: germline.

Baylor Genetics
Classification: Uncertain significance for Asphyxiating thoracic dystrophy 3. Last evaluated: 2020-02-12. Review status: criteria provided, single submitter. Criteria: ACMG Guidelines, 2015. Collection method: clinical testing. Allele origin: unknown. Affected: yes.
Comment: This variant was determined to be of uncertain significance according to ACMG Guidelines, 2015 [PMID:25741868].

Blueprint Genetics
Classification: Uncertain significance. Last evaluated: 2018-05-02. Review status: criteria provided, single submitter. Criteria: ACMG Guidelines, 2015. Collection method: clinical testing. Allele origin: germline.

NM_001377.3(DYNC2H1):c.61T>G (p.Phe21Val)

Gene: DYNC2H1 (dynein cytoplasmic 2 heavy chain 1; plus strand). Cytogenetic location: 11q22.3.
Variant type: single nucleotide variant.
Coding change: c.61T>G on transcript NM_001377.3 (MANE Select); coding-DNA position 61, T replaced by G.
Protein change: p.Phe21Val; replaces phenylalanine 21 with valine.
Molecular consequence: missense variant.
Genome position (GRCh38, 1-based): chr11:103,109,635, T>G. VCF-style: chr11-103109635-T-G. GRCh37 (hg19) VCF-style: chr11-102980364-T-G.
Other names: c.61T>G, p.Phe21Val (NM_001080463.2); short protein forms F21V.
Identifiers: ClinVar variation 1031038 (VCV001031038.3), dbSNP rs1858012761, ClinGen allele CA382240787.